The following is an entry in ClinVar:

ClinVar aggregate classification (germline): Uncertain significance (1 of 4 stars; one submission).

Allele frequency attached by ClinVar (database versions not stated): gnomAD exomes below 0.00001; TOPMed 0.00001; ExAC 0.00002.
gnomAD v4.1: 1 of 1,604,940 alleles (0.000062%); highest among the groups gnomAD compares: Admixed American, 0.0017%; no homozygotes.

Submission:

Labcorp Genetics (formerly Invitae), Labcorp
Classification: Uncertain significance. Last evaluated: 2025-05-12. Review status: criteria provided, single submitter. Criteria: Invitae Variant Classification Sherloc (09022015). Collection method: clinical testing. Allele origin: germline.
Comment: This sequence change falls in intron 11 of the COL11A2 gene. It does not directly change the encoded amino acid sequence of the COL11A2 protein. It affects a nucleotide within the consensus splice site. This variant is present in population databases (rs751564207, gnomAD 0.003%). This variant has not been reported in the literature in individuals affected with COL11A2-related conditions. ClinVar contains an entry for this variant (Variation ID: 1968583). Variants that disrupt the consensus splice site are a relatively common cause of aberrant splicing (PMID: 17576681, 9536098). Algorithms developed to predict the effect of sequence changes on RNA splicing suggest that this variant is not likely to affect RNA splicing. In summary, the available evidence is currently insufficient to determine the role of this variant in disease. Therefore, it has been classified as a Variant of Uncertain Significance.

Literature cited by the submitters: PubMed 17576681; PubMed 9536098.

NM_080680.3(COL11A2):c.1284+5G>A

Gene: COL11A2 (collagen type XI alpha 2 chain; minus strand). Cytogenetic location: 6p21.32.
Variant type: single nucleotide variant.
Coding change: c.1284+5G>A on transcript NM_080680.3 (MANE Select); 5 bases into the intron after coding-DNA position 1284, G replaced by A.
Molecular consequence: intron variant.
Genome position (GRCh38, 1-based): chr6:33,180,663, C>T on the plus strand (G>A on the coding strand, the complement: COL11A2 is on the minus strand). VCF-style: chr6-33180663-C-T. GRCh37 (hg19) VCF-style: chr6-33148440-C-T.
Other names: c.963+5G>A (NM_080679.3); c.1026+5G>A (NM_080681.3).
Identifiers: ClinVar variation 1968583 (VCV001968583.5), dbSNP rs751564207, ClinGen allele CA3751407.